The following is an entry in ClinVar:

ClinVar aggregate classification (germline): Likely pathogenic (1 of 4 stars; one submission).

Conditions:
Leukodystrophy, hypomyelinating, 7, with or without oligodontia and/or hypogonadotropic hypogonadism (HLD7). Also called: LEUKOENCEPHALOPATHY, HYPOMYELINATING, WITH ATAXIA AND DELAYED DENTITION; ATAXIA, DELAYED DENTITION, AND HYPOMYELINATION; LEUKODYSTROPHY, HYPOMYELINATING, 7, WITH OLIGODONTIA; LEUKODYSTROPHY, HYPOMYELINATING, 7, WITH OLIGODONTIA AND HYPOGONADOTROPIC HYPOGONADISM; LEUKODYSTROPHY, HYPOMYELINATING, 7, WITHOUT OLIGODONTIA OR HYPOGONADOTROPIC HYPOGONADISM; Ataxia, Delayed Dentition and Hypomyelination (ADDH). Identifiers: Orphanet 137639, Orphanet 447893, Orphanet 447896, Orphanet 77295, Orphanet 88637, MedGen CN034185, MONDO:0011897, OMIM 607694.

Submission:

Molecular Diagnostics Lab, Nemours Children's Health, Delaware
Classification: Likely pathogenic for Leukodystrophy, hypomyelinating, 7, with or without oligodontia and/or hypogonadotropic hypogonadism. Last evaluated: 2020-12-01. Review status: criteria provided, single submitter. Criteria: ACMG Guidelines, 2015. Collection method: clinical testing. Allele origin: maternal, paternal, unknown. Inheritance: Autosomal recessive inheritance. Affected: yes and no. Observed: 1 heterozygote, 2 compound heterozygotes. Clinical features observed: Nystagmus (HP:0000639), Spasticity (HP:0001257), Dysarthria (HP:0001260).
Comment: This protein length-changing variant (c.3739_3741dup, p.Thr1247dup) has not been observed in population databases (gnomAD), but it has been reported in the literature (PMID 21855841). It was observed in trans with c.1647C>G (likely pathogenic, p.Phe558Leu) in an affected individual.

Literature cited by the submitters: PubMed 21855841.

NM_007055.4(POLR3A):c.3736ACC[3] (p.Thr1247_Ser1248insThr)

Gene: POLR3A (RNA polymerase III subunit A; minus strand). Cytogenetic location: 10q22.3.
Variant type: Microsatellite.
Coding change: c.3736ACC[3] on transcript NM_007055.4 (MANE Select); three copies in a row of the 3-base unit ACC starting at c.3736; the reference has two copies in a row; one copy, 3 bases duplicated.
Protein change: p.Thr1247_Ser1248insThr.
Molecular consequence: inframe insertion.
Genome position (GRCh38, 1-based): chr10:77,982,172-77,982,174, GGT duplicated on the plus strand (ACC on the coding strand, the reverse complement: POLR3A is on the minus strand); duplicating any 3 consecutive bases within chr10:77,982,172-77,982,177 gives the same sequence; the position shown is the placement nearest the transcript's 3' end. VCF-style (leftmost placement, unchanged base first): chr10-77982171-A-AGGT. GRCh37 (hg19) VCF-style: chr10-79741929-A-AGGT.
Other names: c.3739_3741dupACC (NM_007055.4).
Identifiers: ClinVar variation 3336791 (VCV003336791.2).